The following is an entry in ClinVar:

ClinVar aggregate classification (germline): Likely benign. Review status: criteria provided, multiple submitters, no conflicts (2 of 4 stars). 3 submissions from 3 submitters: Likely benign (3). Last evaluated 2026-01-28.

Allele frequency attached by ClinVar (database versions not stated): gnomAD exomes 0.00017 and 0.00014; gnomAD 0.00022 and 0.00021; ESP Exome Variant Server 0.00031; TOPMed 0.00025; ExAC 0.00016.
gnomAD v4.1: 284 of 1,614,036 alleles (0.018%); highest among the groups gnomAD compares: East Asian, 0.085%; 1 homozygote.

Submissions (3):

Labcorp Genetics (formerly Invitae), Labcorp
Classification: Likely benign. Last evaluated: 2026-01-28. Review status: criteria provided, single submitter. Criteria: Invitae Variant Classification Sherloc (09022015). Collection method: clinical testing. Allele origin: germline.

GeneDx
Classification: Likely benign. Last evaluated: 2021-01-07. Review status: criteria provided, single submitter. Criteria: GeneDx Variant Classification Process June 2021. Collection method: clinical testing. Allele origin: germline. Affected: yes.

Laboratory for Molecular Medicine, Mass General Brigham Personalized Medicine
Classification: Likely benign. Last evaluated: 2012-01-11. Review status: criteria provided, single submitter. Criteria: LMM Criteria. Collection method: clinical testing. Allele origin: germline. Observed: 1 variant allele.
Comment: Asp93Asp in exon 4 of TMPRSS3: This variant is not expected to have clinical sig nificance because it does not alter an amino acid residue, is not located within the splice consensus sequence and has been identified in 0.08% (3/3738) African American control chromosomes by the NHBLI Exome sequencing project (.; dbSNP rs145824109).

NM_001256317.3(TMPRSS3):c.279C>T (p.Asp93=)

Gene: TMPRSS3 (transmembrane serine protease 3; minus strand). Cytogenetic location: 21q22.3.
Variant type: single nucleotide variant.
Coding change: c.279C>T on transcript NM_001256317.3 (MANE Select); coding-DNA position 279, C replaced by T.
Protein change: p.Asp93=; no amino-acid change (aspartic acid 93 retained).
Molecular consequence: synonymous variant. On other transcripts: 5 prime UTR variant (1).
Genome position (GRCh38, 1-based): chr21:42,388,972, G>A on the plus strand (C>T on the coding strand, the complement: TMPRSS3 is on the minus strand). VCF-style: chr21-42388972-G-A. GRCh37 (hg19) VCF-style: chr21-43809081-G-A.
Other names: c.279C>T, p.Asp93= (NM_024022.4, NM_032405.2); c.-103C>T (NM_032404.3).
Identifiers: ClinVar variation 46109 (VCV000046109.11), dbSNP rs145824109, ClinGen allele CA137700.